The following is an entry in ClinVar:

ClinVar aggregate classification (germline): Uncertain significance (1 of 4 stars; one submission).

Submission:

GeneDx
Classification: Uncertain significance. Last evaluated: 2019-04-04. Review status: criteria provided, single submitter. Criteria: GeneDx Variant Classification Process June 2021. Collection method: clinical testing. Allele origin: germline. Affected: yes.
Comment: Not observed in large population cohorts (Lek et al., 2016); In silico analysis, which includes protein predictors and evolutionary conservation, supports a deleterious effect; Has not been previously published as pathogenic or benign to our knowledge

NM_139058.3(ARX):c.1484C>G (p.Ser495Trp)

Gene: ARX (aristaless related homeobox; minus strand). Cytogenetic location: Xp21.3.
Variant type: single nucleotide variant.
Coding change: c.1484C>G on transcript NM_139058.3 (MANE Select); coding-DNA position 1484, C replaced by G.
Protein change: p.Ser495Trp; replaces serine 495 with tryptophan.
Molecular consequence: missense variant.
Genome position (GRCh38, 1-based): chrX:25,004,875, G>C on the plus strand (C>G on the coding strand, the complement: ARX is on the minus strand). VCF-style: chrX-25004875-G-C. GRCh37 (hg19) VCF-style: chrX-25022992-G-C.
Other names: short protein forms S495W.
Identifiers: ClinVar variation 1191390 (VCV001191390.2), dbSNP rs2147318781, ClinGen allele CA412610911.
Genomic context (GRCh38, chrX:25,004,875, plus strand): 5'-CCCGATGCCACTGCGCCCTCCACGGCGGGTGTGGGCTGTCTCAGGAGCGCGGCCGCGGTC[G>C]ACGCGCTGGTCAGGGGGGCCATTGTGGAAAAGAGCCTGCAGGGAGAGCAAACAGCGCGGT-3'
Protein context (NP_620689.1, residues 485-505): FSTMAPLTSA[Ser495Trp]TAAALLRQPT